The following is an entry in ClinVar:

ClinVar aggregate classification (germline): Uncertain significance (1 of 4 stars; one submission).

Conditions:
Pitt-Hopkins-like syndrome 2 (PTHSL2). Identifiers: Orphanet 221150, Orphanet 600663, MedGen C3280479, MONDO:0013690, OMIM 614325.

Submission:

Labcorp Genetics (formerly Invitae), Labcorp
Classification: Uncertain significance for Pitt-Hopkins-like syndrome 2. Last evaluated: 2022-04-23. Review status: criteria provided, single submitter. Criteria: Invitae Variant Classification Sherloc (09022015). Collection method: clinical testing. Allele origin: unknown.
Comment: In summary, the available evidence is currently insufficient to determine the role of this variant in disease. Therefore, it has been classified as a Variant of Uncertain Significance. Experimental studies and prediction algorithms are not available or were not evaluated, and the functional significance of this variant is currently unknown. This variant is a gross deletion of the genomic region encompassing exon(s) 19-24 of the NRXN1 gene, which includes the termination codon. This deletion extends beyond the assayed region for this gene and therefore may encompass additional genes. While this deletion is not anticipated to lead to nonsense mediated decay, it is expected to alter mRNA translation or result in a truncated protein product. A similar copy number variant has been observed in individual(s) with clinical features of autosomal dominant NRXN1-related conditions (Invitae).

NC_000002.11:g.(?_49189872)_(50464128_?)del

Genes: FSHR (follicle stimulating hormone receptor; minus strand), NRXN1 (neurexin 1; minus strand). Cytogenetic location: 2p16.3.
Variant type: Deletion.
Identifiers: ClinVar variation 3247385 (VCV003247385.1).